The following is an entry in ClinVar:

NM_205861.3(DHDDS):c.161_162delinsAA (p.Gly54Glu)

Gene: DHDDS (dehydrodolichyl diphosphate synthase subunit; plus strand). Cytogenetic location: 1p36.11.
Variant type: Indel.
Coding change: c.161_162delinsAA on transcript NM_205861.3 (MANE Select); coding-DNA positions 161 to 162, GC replaced by AA.
Protein change: p.Gly54Glu; replaces glycine 54 with glutamic acid.
Molecular consequence: missense variant. On other transcripts: 5 prime UTR variant (1).
Genome position (GRCh38, 1-based): chr1:26,438,265-26,438,266, GC replaced by AA. VCF-style: chr1-26438265-GC-AA. GRCh37 (hg19) VCF-style: chr1-26764756-GC-AA.
Other names: c.161_162delinsAA, p.Gly54Glu (NM_001243564.2, NM_001243565.2, NM_024887.4); c.-142_-141delinsAA (NM_001319959.2); short protein forms G54E.
Identifiers: ClinVar variation 1187979 (VCV001187979.2), dbSNP rs2124374907, ClinGen allele CA2499214669.

ClinVar aggregate classification (germline): Likely pathogenic (1 of 4 stars; one submission).

Submission:

GeneDx
Classification: Likely pathogenic. Last evaluated: 2019-05-08. Review status: criteria provided, single submitter. Criteria: GeneDx Variant Classification Process June 2021. Collection method: clinical testing. Allele origin: germline. Affected: yes.
Comment: Not observed in large population cohorts (Lek et al., 2016); In silico analysis, which includes protein predictors and evolutionary conservation, supports a deleterious effect; Has not been previously published as pathogenic or benign to our knowledge